The following is an entry in ClinVar:

ClinVar aggregate classification (germline): Uncertain significance (1 of 4 stars; one submission).

Allele frequency attached by ClinVar (database versions not stated): gnomAD exomes below 0.00001; TOPMed 0.00002; gnomAD 0.00003.
gnomAD v4.1: 6 of 1,565,272 alleles (0.00038%); highest among the groups gnomAD compares: African/African-American, 0.0041%; no homozygotes.

Submission:

Labcorp Genetics (formerly Invitae), Labcorp
Classification: Uncertain significance. Last evaluated: 2025-11-27. Review status: criteria provided, single submitter. Criteria: Invitae Variant Classification Sherloc (09022015). Collection method: clinical testing. Allele origin: germline.
Comment: This sequence change affects codon 735 of the ARHGEF1 mRNA. It is a 'silent' change, meaning that it does not change the encoded amino acid sequence of the ARHGEF1 protein. It affects a nucleotide within the consensus splice site. This variant is present in population databases (rs781901059, gnomAD 0.01%). This variant has not been reported in the literature in individuals affected with ARHGEF1-related conditions. ClinVar contains an entry for this variant (Variation ID: 1944120). Algorithms developed to predict the effect of sequence changes on RNA splicing suggest that this variant is not likely to affect RNA splicing. In summary, the available evidence is currently insufficient to determine the role of this variant in disease. Therefore, it has been classified as a Variant of Uncertain Significance.

NM_004706.4(ARHGEF1):c.2160C>T (p.Thr720=)

Gene: ARHGEF1 (Rho guanine nucleotide exchange factor 1; plus strand). Cytogenetic location: 19q13.2.
Variant type: single nucleotide variant.
Coding change: c.2160C>T on transcript NM_004706.4 (MANE Select); coding-DNA position 2160, C replaced by T.
Protein change: p.Thr720=; no amino-acid change (threonine 720 retained).
Molecular consequence: synonymous variant. On other transcripts: non-coding transcript variant (2).
Genome position (GRCh38, 1-based): chr19:41,904,382, C>T. VCF-style: chr19-41904382-C-T. GRCh37 (hg19) VCF-style: chr19-42408534-C-T.
Other names: c.2328C>T, p.Thr776= (NM_001396000.1); c.2061C>T, p.Thr687= (NM_001396002.1, NM_001396004.1, NM_198977.2); c.2160C>T, p.Thr720= (NM_001396003.1, NM_001396006.1); c.2205C>T, p.Thr735= (NM_199002.2).
Identifiers: ClinVar variation 1944120 (VCV001944120.5), dbSNP rs781901059, ClinGen allele CA9466611.